The following is an entry in ClinVar:

ClinVar aggregate classification (germline): Pathogenic (1 of 4 stars; one submission).

Conditions:
Alkaptonuria (AKU). Also called: Alcaptonuria; HOMOGENTISIC ACID OXIDASE DEFICIENCY; Alkaptonuric ochronosis; Homogentisic acidura. Identifiers: Orphanet 56, MedGen C0002066, MONDO:0008753, OMIM 203500.

Submission:

Labcorp Genetics (formerly Invitae), Labcorp
Classification: Pathogenic for Alkaptonuria. Last evaluated: 2021-05-13. Review status: criteria provided, single submitter. Criteria: Invitae Variant Classification Sherloc (09022015). Collection method: clinical testing. Allele origin: germline.
Comment: This variant has not been reported in the literature in individuals with HGD-related conditions. This variant is not present in population databases (ExAC no frequency). This sequence change creates a premature translational stop signal (p.His371Metfs*34) in the HGD gene. While this is not anticipated to result in nonsense mediated decay, it is expected to disrupt the last 75 amino acid(s) of the HGD protein. This variant disrupts the C-terminus of the HGD protein. Other variant(s) that disrupt this region (p.Lys431Hisfs*11) have been determined to be pathogenic (PMID: 23430897, 25681086, Invitae). This suggests that variants that disrupt this region of the protein are likely to be causative of disease. For these reasons, this variant has been classified as Pathogenic.

Literature cited by the submitters: PubMed 23430897; PubMed 25681086.

NM_000187.4(HGD):c.1111del (p.His371fs)

Gene: HGD (homogentisate 1,2-dioxygenase; minus strand). Cytogenetic location: 3q13.33.
Variant type: Deletion.
Coding change: c.1111del on transcript NM_000187.4 (MANE Select); coding-DNA position 1111, one base deleted (C; older notation c.1111delC).
Protein change: p.His371fs; shifts the reading frame from histidine 371.
Molecular consequence: frameshift variant.
Genome position (GRCh38, 1-based): chr3:120,633,224, G deleted on the plus strand (C on the coding strand, the reverse complement: HGD is on the minus strand); the first of 6 consecutive G bases (chr3:120,633,224-120,633,229); deleting any one gives the same sequence. VCF-style (leftmost placement, unchanged base first): chr3-120633223-TG-T. GRCh37 (hg19) VCF-style: chr3-120352070-TG-T.
Other names: short protein forms H371fs.
Identifiers: ClinVar variation 1454693 (VCV001454693.8), dbSNP rs397515516, ClinGen allele CA2573136433.